The following is an entry in ClinVar:

ClinVar aggregate classification (germline): Uncertain significance (1 of 4 stars; one submission).

Conditions:
POLD1-related polyposis and colorectal cancer syndrome (CRCS10). Also called: Colorectal cancer 10; COLORECTAL CANCER, SUSCEPTIBILITY TO, ON CHROMOSOME 19q; Colorectal cancer, susceptibility to, 10. Identifiers: Orphanet 220460, MedGen C2675481, MONDO:0012953, OMIM 612591.

Submission:

Labcorp Genetics (formerly Invitae), Labcorp
Classification: Uncertain significance for POLD1-related polyposis and colorectal cancer syndrome. Last evaluated: 2024-10-10. Review status: criteria provided, single submitter. Criteria: Invitae Variant Classification Sherloc (09022015). Collection method: clinical testing. Allele origin: germline.
Comment: This sequence change replaces isoleucine, which is neutral and non-polar, with threonine, which is neutral and polar, at codon 969 of the POLD1 protein (p.Ile969Thr). This variant is not present in population databases (gnomAD no frequency). This variant has not been reported in the literature in individuals affected with POLD1-related conditions. Invitae Evidence Modeling of protein sequence and biophysical properties (such as structural, functional, and spatial information, amino acid conservation, physicochemical variation, residue mobility, and thermodynamic stability) indicates that this missense variant is expected to disrupt POLD1 protein function with a positive predictive value of 80%. In summary, the available evidence is currently insufficient to determine the role of this variant in disease. Therefore, it has been classified as a Variant of Uncertain Significance.

NM_002691.4(POLD1):c.2906T>C (p.Ile969Thr)

Gene: POLD1 (DNA polymerase delta 1, catalytic subunit; plus strand). Cytogenetic location: 19q13.33.
Variant type: single nucleotide variant.
Coding change: c.2906T>C on transcript NM_002691.4 (MANE Select); coding-DNA position 2906, T replaced by C.
Protein change: p.Ile969Thr; replaces isoleucine 969 with threonine.
Molecular consequence: missense variant. On other transcripts: non-coding transcript variant (1).
Genome position (GRCh38, 1-based): chr19:50,416,481, T>C. VCF-style: chr19-50416481-T-C. GRCh37 (hg19) VCF-style: chr19-50919738-T-C.
Other names: c.2906T>C, p.Ile969Thr (NM_001256849.1); c.2984T>C, p.Ile995Thr (NM_001308632.1); short protein forms I995T, I969T.
Identifiers: ClinVar variation 3666424 (VCV003666424.2).